The following is an entry in ClinVar:

NM_000533.5(PLP1):c.125G>A (p.Gly42Asp)

Genes: PLP1 (proteolipid protein 1; plus strand), RAB9B (RAB9B, member RAS oncogene family; minus strand). Cytogenetic location: Xq22.2.
Variant type: single nucleotide variant.
Coding change: c.125G>A on transcript NM_000533.5 (MANE Select); coding-DNA position 125, G replaced by A.
Protein change: p.Gly42Asp; replaces glycine 42 with aspartic acid.
Molecular consequence: missense variant. On other transcripts: intron variant (1).
Genome position (GRCh38, 1-based): chrX:103,785,702, G>A. VCF-style: chrX-103785702-G-A. GRCh37 (hg19) VCF-style: chrX-103040631-G-A.
Other names: c.125G>A, p.Gly42Asp (NM_001128834.3, NM_199478.3); c.5-45G>A (NM_001305004.1); short protein forms G42D.
Identifiers: ClinVar variation 3255446 (VCV003255446.2), dbSNP rs2522301625.

ClinVar aggregate classification (germline): Likely pathogenic (1 of 4 stars; one submission).

Conditions:
Pelizaeus-Merzbacher disease. Also called: LEUKODYSTROPHY, HYPOMYELINATING, 1; Sudanophilic leukodystrophy; Pelizaeus-Merzbacher spectrum disorder; Pelizaeus-Merzbacher Disease (PMD); Pelizeaus-Merzbacher spectrum disorder. Identifiers: Orphanet 702, MedGen C0205711, MONDO:0010714, OMIM 312080, HP:0003269.

Submission:

Molecular Diagnostics Lab, Nemours Children's Health, Delaware
Classification: Likely pathogenic for Pelizaeus-Merzbacher disease. Last evaluated: 2021-02-18. Review status: criteria provided, single submitter. Criteria: ACMG Guidelines, 2015. Collection method: clinical testing. Allele origin: maternal, unknown. Inheritance: X-linked inheritance. Affected: yes and no. Observed: 1 heterozygote, 2 hemizygotes. Clinical features observed: Nystagmus (HP:0000639), Spastic quadriplegic cerebral palsy (HP:0002510), Ataxia (HP:0001251), Scanning speech (HP:0002168).
Comment: This missense variant (c.125G>A, p.Gly42Asp) has not been observed in population databases (gnomAD). It has not been described in the literature. Variant prediction programs suggest a deleterious effect on the PLP1 protein, but no functional studies have been published.